The following is an entry in ClinVar:

NM_020738.4(KIDINS220):c.3463T>C (p.Ser1155Pro)

Gene: KIDINS220 (kinase D interacting substrate 220; minus strand). Cytogenetic location: 2p25.1.
Variant type: single nucleotide variant.
Coding change: c.3463T>C on transcript NM_020738.4 (MANE Select); coding-DNA position 3463, T replaced by C.
Protein change: p.Ser1155Pro; replaces serine 1155 with proline.
Molecular consequence: missense variant. On other transcripts: non-coding transcript variant (1), intron variant (8).
Genome position (GRCh38, 1-based): chr2:8,747,952, A>G on the plus strand (T>C on the coding strand, the complement: KIDINS220 is on the minus strand). VCF-style: chr2-8747952-A-G. GRCh37 (hg19) VCF-style: chr2-8888082-A-G.
Other names: c.3466T>C, p.Ser1156Pro (NM_001348729.2, NM_001348731.2); c.3463T>C, p.Ser1155Pro (NM_001348732.2, NM_001348738.2); c.3414+2160T>C (NM_001348741.2, NM_001348742.2, NM_001348743.2 and 1 more transcripts); c.3417+2160T>C (NM_001348739.2, NM_001348740.2, NM_001348734.2); c.3288+2160T>C (NM_001348736.2); short protein forms S1155P, S1156P.
Identifiers: ClinVar variation 3706722 (VCV003706722.2).

ClinVar aggregate classification (germline): Uncertain significance (1 of 4 stars; one submission).

gnomAD v4.1: 2 of 1,606,044 alleles (0.00012%); highest among the groups gnomAD compares: Non-Finnish European, 0.00017%; no homozygotes.

Submission:

Labcorp Genetics (formerly Invitae), Labcorp
Classification: Uncertain significance. Last evaluated: 2024-05-17. Review status: criteria provided, single submitter. Criteria: Invitae Variant Classification Sherloc (09022015). Collection method: clinical testing. Allele origin: germline.
Comment: This sequence change replaces serine, which is neutral and polar, with proline, which is neutral and non-polar, at codon 1155 of the KIDINS220 protein (p.Ser1155Pro). This variant is not present in population databases (gnomAD no frequency). This variant has not been reported in the literature in individuals affected with KIDINS220-related conditions. Experimental studies and prediction algorithms are not available or were not evaluated, and the functional significance of this variant is currently unknown. In summary, the available evidence is currently insufficient to determine the role of this variant in disease. Therefore, it has been classified as a Variant of Uncertain Significance.